The following is an entry in ClinVar:

ClinVar aggregate classification (germline): Uncertain significance (1 of 4 stars; one submission).

Allele frequency attached by ClinVar (database versions not stated): gnomAD exomes below 0.00001.
gnomAD v4.1: 1 of 1,613,996 alleles (0.000062%); highest among the groups gnomAD compares: East Asian, 0.0022%; no homozygotes.

Submission:

GeneDx
Classification: Uncertain significance. Last evaluated: 2019-11-15. Review status: criteria provided, single submitter. Criteria: GeneDx Variant Classification Process June 2021. Collection method: clinical testing. Allele origin: germline. Affected: yes.
Comment: Has not been previously published as pathogenic or benign to our knowledge; Not observed in large population cohorts (Lek et al., 2016); In silico analysis, which includes protein predictors and evolutionary conservation, supports a deleterious effect; Although located in a calcium-binding EGF-like domain of the FBN2 gene, it does not affect a cysteine residue within this domain; cysteine substitutions in the calcium-binding EGF-like domains represent the majority of pathogenic missense changes associated with FBN2-related disorders (Collod-Beroud et al., 2003; Frederic et al., 2009)

NM_001999.4(FBN2):c.4193G>T (p.Gly1398Val)

Gene: FBN2 (fibrillin 2; minus strand). Cytogenetic location: 5q23.3.
Variant type: single nucleotide variant.
Coding change: c.4193G>T on transcript NM_001999.4 (MANE Select); coding-DNA position 4193, G replaced by T.
Protein change: p.Gly1398Val; replaces glycine 1398 with valine.
Molecular consequence: missense variant.
Genome position (GRCh38, 1-based): chr5:128,332,941, C>A on the plus strand (G>T on the coding strand, the complement: FBN2 is on the minus strand). VCF-style: chr5-128332941-C-A. GRCh37 (hg19) VCF-style: chr5-127668633-C-A.
Other names: short protein forms G1398V.
Identifiers: ClinVar variation 1310376 (VCV001310376.2), dbSNP rs2126892048, ClinGen allele CA360754765.
Genomic context (GRCh38, chr5:128,332,941, plus strand): 5'-TAGCAAAGGATATTTACATTTGCAAACTCACCAATACACTTGATGCCGTTTCCAATCCAG[C>A]CTTCTCTGCAGCTACACTTGAAGCTTCCTGGGATATTCAGACATGAGGCATGCATGTCGC-3'
Protein context (NP_001990.2, residues 1388-1408): PGSFKCSCRE[Gly1398Val]WIGNGIKCID